The following is an entry in ClinVar:

ClinVar aggregate classification (germline): Likely benign. Review status: criteria provided, single submitter (1 of 4 stars). 2 submissions from 2 submitters: Likely benign (1). 1 of the submissions does not count toward it. Last evaluated 2025-05-07.

Conditions:
RSPH3-related disorder. Also called: RSPH3-related condition.
Primary ciliary dyskinesia 32. Also called: CILIARY DYSKINESIA, PRIMARY, 32, WITHOUT SITUS INVERSUS. Identifiers: Orphanet 244, MedGen C4225311, MONDO:0014657, OMIM 616481.

Submissions (2):

Labcorp Genetics (formerly Invitae), Labcorp
Classification: Likely benign for Primary ciliary dyskinesia 32. Last evaluated: 2025-05-07. Review status: criteria provided, single submitter. Criteria: Invitae Variant Classification Sherloc (09022015). Collection method: clinical testing. Allele origin: germline.

PreventionGenetics, part of Exact Sciences
Classification: Likely benign for RSPH3-related condition. Last evaluated: 2023-03-14. Review status: no assertion criteria provided. Collection method: clinical testing. Allele origin: germline. Not counted in ClinVar's aggregate classification.
Comment: This variant is classified as likely benign based on ACMG/AMP sequence variant interpretation guidelines (Richards et al. 2015 PMID: 25741868, with internal and published modifications).

NM_031924.8(RSPH3):c.697-9del

Gene: RSPH3 (radial spoke head 3; minus strand). Cytogenetic location: 6q25.3.
Variant type: Deletion.
Coding change: c.697-9del on transcript NM_031924.8 (MANE Select); 9 bases into the intron before coding-DNA position 697, one base deleted (T; older notation c.697-9delT).
Molecular consequence: intron variant.
Genome position (GRCh38, 1-based): chr6:158,980,945, A deleted on the plus strand (T on the coding strand, the reverse complement: RSPH3 is on the minus strand); the first of 2 consecutive A bases (chr6:158,980,945-158,980,946); deleting either gives the same sequence. VCF-style (leftmost placement, unchanged base first): chr6-158980944-GA-G. GRCh37 (hg19) VCF-style: chr6-159401976-GA-G.
Other names: c.835-9del (NM_001346418.1); c.1123-9delT (NM_031924.5).
Identifiers: ClinVar variation 1532584 (VCV001532584.10), dbSNP rs781459954, ClinGen allele CA4075838.